The following is an entry in ClinVar:

ClinVar aggregate classification (germline): Uncertain significance (1 of 4 stars; one submission).

Conditions:
Menkes kinky-hair syndrome (MNK). Also called: Classic Menkes Disease; Copper transport disease; Menkes Disease. Identifiers: Orphanet 565, MedGen C0022716, MONDO:0010651, OMIM 309400.
Cutis laxa, X-linked (OHS). Also called: EDS IX; Occipital horn syndrome. Identifiers: Orphanet 198, MedGen C0268353, MONDO:0010572, OMIM 304150.
X-linked distal spinal muscular atrophy type 3. Also called: ATP7A-Related Distal Motor Neuropathy; SPINAL MUSCULAR ATROPHY, DISTAL, X-LINKED RECESSIVE; NEURONOPATHY, DISTAL HEREDITARY MOTOR, X-LINKED; NEUROPATHY, DISTAL HEREDITARY MOTOR, X-LINKED. Identifiers: Orphanet 139557, MedGen C1845359, MONDO:0010338, OMIM 300489.

Submission:

Labcorp Genetics (formerly Invitae), Labcorp
Classification: Uncertain significance for X-linked distal spinal muscular atrophy type 3; Cutis laxa, X-linked; Menkes kinky-hair syndrome. Last evaluated: 2025-06-24. Review status: criteria provided, single submitter. Criteria: Invitae Variant Classification Sherloc (09022015). Collection method: clinical testing. Allele origin: germline.
Comment: This sequence change replaces valine, which is neutral and non-polar, with alanine, which is neutral and non-polar, at codon 1055 of the ATP7A protein (p.Val1055Ala). This variant is not present in population databases (gnomAD no frequency). This variant has not been reported in the literature in individuals affected with ATP7A-related conditions. Invitae Evidence Modeling of protein sequence and biophysical properties (such as structural, functional, and spatial information, amino acid conservation, physicochemical variation, residue mobility, and thermodynamic stability) indicates that this missense variant is not expected to disrupt ATP7A protein function with a negative predictive value of 95%. In summary, the available evidence is currently insufficient to determine the role of this variant in disease. Therefore, it has been classified as a Variant of Uncertain Significance.

NM_000052.7(ATP7A):c.3164T>C (p.Val1055Ala)

Gene: ATP7A (ATPase copper transporting alpha; plus strand). Cytogenetic location: Xq21.1.
Variant type: single nucleotide variant.
Coding change: c.3164T>C on transcript NM_000052.7 (MANE Select); coding-DNA position 3164, T replaced by C.
Protein change: p.Val1055Ala; replaces valine 1055 with alanine.
Molecular consequence: missense variant. On other transcripts: non-coding transcript variant (1).
Genome position (GRCh38, 1-based): chrX:78,031,452, T>C. VCF-style: chrX-78031452-T-C. GRCh37 (hg19) VCF-style: chrX-77286950-T-C.
Other names: c.2930T>C, p.Val977Ala (NM_001282224.2); short protein forms V977A, V1055A.
Identifiers: ClinVar variation 4793589 (VCV004793589.1).